The following is an entry in ClinVar:

ClinVar aggregate classification (germline): Uncertain significance (1 of 4 stars; one submission).

Conditions:
Epidermolysis bullosa simplex 5B, with muscular dystrophy (EBS5B). Also called: Epidermolysis bullosa simplex with muscular dystrophy; EPIDERMOLYSIS BULLOSA SIMPLEX AND LIMB-GIRDLE MUSCULAR DYSTROPHY. Identifiers: Orphanet 257, MedGen C2931072, MONDO:0009181, OMIM 226670.
Epidermolysis bullosa simplex, Ogna type (EBS5A). Also called: Pidermolysis bullosa simplex 5A, Ogna type; EPIDERMOLYSIS BULLOSA SIMPLEX 5A, OGNA TYPE. Identifiers: Orphanet 79401, MedGen C0432317, MONDO:0007555, OMIM 131950.
Epidermolysis bullosa simplex 5C, with pyloric atresia (EBS5C). Also called: PLEC-Related Epidermolysis Bullosa with Pyloric Atresia; Epidermolysis bullosa simplex with pyloric atresia; PLEC1-Related Epidermolysis Bullosa with Pyloric Atresia. Identifiers: Orphanet 158684, MedGen C2677349, MONDO:0012807, OMIM 612138.
Autosomal recessive limb-girdle muscular dystrophy type 2Q (LGMDR17). Also called: MUSCULAR DYSTROPHY, LIMB-GIRDLE, AUTOSOMAL RECESSIVE 17. Identifiers: Orphanet 254361, MedGen C3150989, MONDO:0013390, OMIM 613723.
Epidermolysis bullosa simplex with nail dystrophy (EBS5D). Identifiers: MedGen C4225309, MONDO:0014661, OMIM 616487.

Allele frequency attached by ClinVar (database versions not stated): ExAC 0.00001; gnomAD 0.00001; TOPMed 0.00001.
gnomAD v4.1: 5 of 1,602,608 alleles (0.00031%); highest among the groups gnomAD compares: Admixed American, 0.0083%; no homozygotes.

Submission:

Labcorp Genetics (formerly Invitae), Labcorp
Classification: Uncertain significance for Autosomal recessive limb-girdle muscular dystrophy type 2Q; Epidermolysis bullosa simplex, Ogna type; Epidermolysis bullosa simplex with nail dystrophy; Epidermolysis bullosa simplex 5C, with pyloric atresia; Epidermolysis bullosa simplex 5B, with muscular dystrophy. Last evaluated: 2025-05-07. Review status: criteria provided, single submitter. Criteria: Invitae Variant Classification Sherloc (09022015). Collection method: clinical testing. Allele origin: germline.
Comment: This sequence change replaces glutamic acid, which is acidic and polar, with alanine, which is neutral and non-polar, at codon 2509 of the PLEC protein (p.Glu2509Ala). This variant is present in population databases (rs782552926, gnomAD 0.01%). This variant has not been reported in the literature in individuals affected with PLEC-related conditions. ClinVar contains an entry for this variant (Variation ID: 2163715). Invitae Evidence Modeling of protein sequence and biophysical properties (such as structural, functional, and spatial information, amino acid conservation, physicochemical variation, residue mobility, and thermodynamic stability) indicates that this missense variant is not expected to disrupt PLEC protein function with a negative predictive value of 80%. In summary, the available evidence is currently insufficient to determine the role of this variant in disease. Therefore, it has been classified as a Variant of Uncertain Significance.

NM_201384.3(PLEC):c.7445A>C (p.Glu2482Ala)

Gene: PLEC (plectin; minus strand). Cytogenetic location: 8q24.3.
Variant type: single nucleotide variant.
Coding change: c.7445A>C on transcript NM_201384.3 (MANE Select); coding-DNA position 7445, A replaced by C.
Protein change: p.Glu2482Ala; replaces glutamic acid 2482 with alanine.
Molecular consequence: missense variant.
Genome position (GRCh38, 1-based): chr8:143,922,376, T>G on the plus strand (A>C on the coding strand, the complement: PLEC is on the minus strand). VCF-style: chr8-143922376-T-G. GRCh37 (hg19) VCF-style: chr8-144996544-T-G.
Other names: c.7526A>C, p.Glu2509Ala (NM_000445.5); c.4145A>C, p.Glu1382Ala (NM_001410941.1); c.7403A>C, p.Glu2468Ala (NM_201378.4); c.7379A>C, p.Glu2460Ala (NM_201379.3); c.7856A>C, p.Glu2619Ala (NM_201380.4); c.7349A>C, p.Glu2450Ala (NM_201381.3); c.7445A>C, p.Glu2482Ala (NM_201382.4); c.7457A>C, p.Glu2486Ala (NM_201383.3); short protein forms E1382A, E2468A, E2460A, E2482A, E2486A, E2450A, E2509A, E2619A.
Identifiers: ClinVar variation 2163715 (VCV002163715.4), dbSNP rs782552926, ClinGen allele CA4925614.